The following is an entry in ClinVar:

ClinVar aggregate classification (germline): Conflicting classifications of pathogenicity. Review status: criteria provided, conflicting classifications (1 of 4 stars). 7 submissions from 4 submitters: Likely pathogenic (1); Uncertain significance (2). 4 of the submissions do not count toward it. Last evaluated 2023-01-24.

Conditions:
Muscular dystrophy-dystroglycanopathy (congenital with impaired intellectual development), type B, 3. Also called: Muscular dystrophy-dystroglycanopathy (congenital with intellectual disability), type B3; MUSCULAR DYSTROPHY, CONGENITAL, POMGNT1-RELATED. Identifiers: MedGen C3150412, MONDO:0013155, OMIM 613151.
Autosomal recessive limb-girdle muscular dystrophy type 2O. Also called: Limb-Girdle Muscular Dystrophy Type 3C; MUSCULAR DYSTROPHY-DYSTROGLYCANOPATHY (LIMB-GIRDLE), TYPE C, 3; MUSCULAR DYSTROPHY-DYSTROGLYCANOPATHY, LIMB-GIRDLE, POMGNT1-RELATED. Identifiers: Orphanet 206564, MedGen C3150417, MONDO:0013161, OMIM 613157.
Muscular dystrophy-dystroglycanopathy (congenital with brain and eye anomalies), type A3. Also called: Muscular dystrophy-dystroglycanopathy (congenital with brain and eye anomalies), type A, 3; WALKER-WARBURG SYNDROME OR MUSCLE-EYE-BRAIN DISEASE, POMGNT1-RELATED; Congenital muscular dystrophy-dystroglycanopathy with brain and eye anomalies, type A3. Identifiers: MedGen C3151519, MONDO:0009667, OMIM 253280.
Muscular dystrophy-dystroglycanopathy. Also called: Congenital muscular dystrophy due to dystroglycanopathy. Identifiers: Orphanet 370953, MedGen C5679911, MONDO:0018276.
Retinitis pigmentosa 76 (RP76). Identifiers: MedGen C4310704, MONDO:0014929, OMIM 617123.

Allele frequency attached by ClinVar (database versions not stated): gnomAD exomes 0.00001 and 0.00002; gnomAD 0.00002; TOPMed 0.00002; ExAC 0.00003.
gnomAD v4.1: 12 of 1,614,076 alleles (0.00074%); highest among the groups gnomAD compares: Non-Finnish European, 0.001%; no homozygotes.

Submissions (7):

Broad Center for Mendelian Genomics, Broad Institute of MIT and Harvard
Classification: Uncertain significance for Muscular dystrophy-dystroglycanopathy. Last evaluated: 2023-01-24. Review status: criteria provided, single submitter. Criteria: ACMG Guidelines, 2015. Collection method: curation. Allele origin: germline. Inheritance: Autosomal recessive inheritance.
Comment: The p.Arg488Gln variant in POMGNT1 has not been previously reported in the literature in individuals with POMGNT1-associated muscular dystrophy-dystroglycanopathy, but has been identified in 0.004% (5/113768) of European (non-Finnish) chromosomes by the Genome Aggregation Database (gnomAD; dbSNP ID: rs766382416). Although this variant has been seen in the general population in a heterozygous state, its frequency is low enough to be consistent with a recessive carrier frequency. This variant has also been reported in ClinVar (Variation ID#:422459) as likely pathogenic by GeneDx and as a variant of uncertain significance by Counsyl and Invitae. Computational prediction tools and conservation analyses suggest that this variant may impact the protein, though this information is not predictive enough to determine pathogenicity. In summary, the clinical significance of the p.Arg488Gln variant is uncertain. ACMG/AMP Criteria applied: PM2_Supporting, PP3 (Richards 2015).

Labcorp Genetics (formerly Invitae), Labcorp
Classification: Uncertain significance for Autosomal recessive limb-girdle muscular dystrophy type 2O; Muscular dystrophy-dystroglycanopathy (congenital with impaired intellectual development), type B, 3. Last evaluated: 2022-08-16. Review status: criteria provided, single submitter. Criteria: Invitae Variant Classification Sherloc (09022015). Collection method: clinical testing. Allele origin: germline.
Comment: This sequence change replaces arginine, which is basic and polar, with glutamine, which is neutral and polar, at codon 488 of the POMGNT1 protein (p.Arg488Gln). This variant is present in population databases (rs766382416, gnomAD 0.004%). This variant has not been reported in the literature in individuals affected with POMGNT1-related conditions. ClinVar contains an entry for this variant (Variation ID: 422459). Advanced modeling of protein sequence and biophysical properties (such as structural, functional, and spatial information, amino acid conservation, physicochemical variation, residue mobility, and thermodynamic stability) performed at Invitae indicates that this missense variant is expected to disrupt POMGNT1 protein function. In summary, the available evidence is currently insufficient to determine the role of this variant in disease. Therefore, it has been classified as a Variant of Uncertain Significance.

GeneDx
Classification: Likely pathogenic. Last evaluated: 2016-10-17. Review status: criteria provided, single submitter. Criteria: GeneDx Variant Classification (06012015). Collection method: clinical testing. Allele origin: germline. Affected: yes.
Comment: The R488Q variant in the POMGNT1 gene has not been reported previously as a pathogenic variant, nor as a benign variant, to our knowledge. The R488Q variant was not observed in approximately 6500 individuals of European and African American ancestry in the NHLBI Exome Sequencing Project, indicating it is not a common benign variant in these populations. The R488Q variant is a semi-conservative amino acid substitution, which may impact secondary protein structure as these residues differ in some properties. This substitution occurs at a position that is conserved across species. In silico analysis predicts this variant is probably damaging to the protein structure/function. Missense variants in nearby residues (C490Y and P493R) have been reported in the Human Gene Mutation Database in association with POMGNT1-related disorders (Stenson et al., 2014), supporting the functional importance of this region of the protein. The R488Q variant is a strong candidate for a pathogenic variant.

Counsyl
Classification: Uncertain significance for Muscular dystrophy-dystroglycanopathy (congenital with brain and eye anomalies), type A3. Last evaluated: 2017-11-02. Review status: no assertion criteria provided. Collection method: clinical testing. Allele origin: unknown. Not counted in ClinVar's aggregate classification.

Counsyl
Classification: Uncertain significance for Muscular dystrophy-dystroglycanopathy (congenital with impaired intellectual development), type B, 3. Last evaluated: 2017-11-02. Review status: no assertion criteria provided. Collection method: clinical testing. Allele origin: unknown. Not counted in ClinVar's aggregate classification.

Counsyl
Classification: Uncertain significance for Autosomal recessive limb-girdle muscular dystrophy type 2O. Last evaluated: 2017-11-02. Review status: no assertion criteria provided. Collection method: clinical testing. Allele origin: unknown. Not counted in ClinVar's aggregate classification.

Counsyl
Classification: Uncertain significance for Retinitis pigmentosa 76. Last evaluated: 2017-11-02. Review status: no assertion criteria provided. Collection method: clinical testing. Allele origin: unknown. Not counted in ClinVar's aggregate classification.

NM_017739.4(POMGNT1):c.1463G>A (p.Arg488Gln)

Genes: TSPAN1 (tetraspanin 1; plus strand), POMGNT1 (protein O-linked mannose N-acetylglucosaminyltransferase 1 (beta 1,2-); minus strand). Cytogenetic location: 1p34.1.
Variant type: single nucleotide variant.
Coding change: c.1463G>A on transcript NM_017739.4 (MANE Select); coding-DNA position 1463, G replaced by A.
Protein change: p.Arg488Gln; replaces arginine 488 with glutamine.
Molecular consequence: missense variant.
Genome position (GRCh38, 1-based): chr1:46,192,174, C>T on the plus strand (G>A on the coding strand, the complement: POMGNT1 is on the minus strand). VCF-style: chr1-46192174-C-T. GRCh37 (hg19) VCF-style: chr1-46657846-C-T.
Other names: NM_017739.4(POMGNT1):c.1463G>A; p.Arg488Gln; c.1463G>A, p.Arg488Gln (NM_001243766.2, NM_001410783.1); c.1397G>A, p.Arg466Gln (NM_001290129.3); c.1034G>A, p.Arg345Gln (NM_001290130.2); short protein forms R488Q, R466Q, R345Q.
Identifiers: ClinVar variation 422459 (VCV000422459.10), dbSNP rs766382416, ClinGen allele CA833361.
Genomic context (GRCh38, chr1:46,192,174, plus strand): 5'-ATGTTGAGGCCGACGATGCCAAAGTGGTAGGATCGGGAAACGTCAGGGATGATGCACTCT[C>T]GGCCCCGGCGTTGTTCAGGCATCCGCATCCACATGTCCCAATCCCAGAGCTGGCAGACAT-3'
Protein context (NP_060209.4, residues 478-498): WMRMPEQRRG[Arg488Gln]ECIIPDVSRS